The following is an entry in ClinVar:

NM_000918.4(P4HB):c.398C>T (p.Thr133Met)

Gene: P4HB (prolyl 4-hydroxylase subunit beta; minus strand). Cytogenetic location: 17q25.3.
Variant type: single nucleotide variant.
Coding change: c.398C>T on transcript NM_000918.4 (MANE Select); coding-DNA position 398, C replaced by T.
Protein change: p.Thr133Met; replaces threonine 133 with methionine.
Molecular consequence: missense variant.
Genome position (GRCh38, 1-based): chr17:81,855,541, G>A on the plus strand (C>T on the coding strand, the complement: P4HB is on the minus strand). VCF-style: chr17-81855541-G-A. GRCh37 (hg19) VCF-style: chr17-79813417-G-A.
Other names: short protein forms T133M.
Identifiers: ClinVar variation 2720603 (VCV002720603.3), dbSNP rs142762202, ClinGen allele CA8842985.
Genomic context (GRCh38, chr17:81,855,541, plus strand): 5'-CTGGACTCCACCAAGGACTCTGCAGCTGCGCCGTCAGGCAGGGTGGTGGCAGCCGGGCCC[G>A]TGCGCTTCTTCAGCCAGTTCACGATGTCATCAGCCTCTCTGCCAGCTAACCCCAAACAAA-3'
Protein context (NP_000909.2, residues 123-143): DDIVNWLKKR[Thr133Met]GPAATTLPDG

ClinVar aggregate classification (germline): Uncertain significance (1 of 4 stars; one submission).

Allele frequency attached by ClinVar (database versions not stated): TOPMed 0.00003; gnomAD 0.00001; ESP Exome Variant Server 0.00008.

Submission:

Labcorp Genetics (formerly Invitae), Labcorp
Classification: Uncertain significance. Last evaluated: 2025-03-04. Review status: criteria provided, single submitter. Criteria: Invitae Variant Classification Sherloc (09022015). Collection method: clinical testing. Allele origin: germline.
Comment: This sequence change replaces threonine, which is neutral and polar, with methionine, which is neutral and non-polar, at codon 133 of the P4HB protein (p.Thr133Met). This variant is present in population databases (rs142762202, gnomAD 0.02%), including at least one homozygous and/or hemizygous individual. This variant has not been reported in the literature in individuals affected with P4HB-related conditions. ClinVar contains an entry for this variant (Variation ID: 2720603). Invitae Evidence Modeling of protein sequence and biophysical properties (such as structural, functional, and spatial information, amino acid conservation, physicochemical variation, residue mobility, and thermodynamic stability) indicates that this missense variant is not expected to disrupt P4HB protein function with a negative predictive value of 80%. In summary, the available evidence is currently insufficient to determine the role of this variant in disease. Therefore, it has been classified as a Variant of Uncertain Significance.